The following is an entry in ClinVar:

NM_000202.8(IDS):c.245C>T (p.Ala82Val)

Gene: IDS (iduronate 2-sulfatase; minus strand). Cytogenetic location: Xq28.
Variant type: single nucleotide variant.
Coding change: c.245C>T on transcript NM_000202.8 (MANE Select); coding-DNA position 245, C replaced by T.
Protein change: p.Ala82Val; replaces alanine 82 with valine.
Molecular consequence: missense variant. On other transcripts: non-coding transcript variant (1), intron variant (1).
Genome position (GRCh38, 1-based): chrX:149,503,485, G>A on the plus strand (C>T on the coding strand, the complement: IDS is on the minus strand). VCF-style: chrX-149503485-G-A. GRCh37 (hg19) VCF-style: chrX-148585015-G-A.
Other names: c.245C>T, p.Ala82Val (NM_006123.5); c.15-40C>T (NM_001166550.4); short protein forms A82V.
Identifiers: ClinVar variation 3255626 (VCV003255626.4).
Genomic context (GRCh38, chrX:149,503,485, plus strand): 5'-AGGCGGGTGGTGTCAGGTCTCCTGCCAGTGAGGAAAGAAACGCGGCTCGGGGCGCACACT[G>A]CTTGCTGTTAGGGAGCAGAAGCAGAGGTAAGCATCGCCACAGCAAAACATGTCTGCCATC-3'
Protein context (NP_000193.1, residues 72-92): LLFQNAFAQQ[Ala82Val]VCAPSRVSFL

ClinVar aggregate classification (germline): Pathogenic/Likely pathogenic. Review status: criteria provided, multiple submitters, no conflicts (2 of 4 stars). 2 submissions from 2 submitters: Pathogenic (1); Likely pathogenic (1). Last evaluated 2024-09-01.

Conditions:
Mucopolysaccharidosis, MPS-II (MPS2). Also called: Hunter Syndrome; IDURONATE 2-SULFATASE DEFICIENCY; Mucopolysaccharidosis Type II; Mucopolysaccharidosis type 2; Attenuated MPS (subtype; formerly known as mild MPS II); Severe MPS II. Identifiers: Orphanet 580, Orphanet 79388, MedGen C0026705, MONDO:0010674, OMIM 309900.

Submissions (2):

Labcorp Genetics (formerly Invitae), Labcorp
Classification: Likely pathogenic for Mucopolysaccharidosis, MPS-II. Last evaluated: 2024-09-01. Review status: criteria provided, single submitter. Criteria: Invitae Variant Classification Sherloc (09022015). Collection method: clinical testing. Allele origin: germline.
Comment: This sequence change replaces alanine, which is neutral and non-polar, with valine, which is neutral and non-polar, at codon 82 of the IDS protein (p.Ala82Val). This variant is not present in population databases (gnomAD no frequency). This missense change has been observed in individual(s) with mucopolysaccharidosis II (PMID: 16699754, 36945845). Invitae Evidence Modeling of protein sequence and biophysical properties (such as structural, functional, and spatial information, amino acid conservation, physicochemical variation, residue mobility, and thermodynamic stability) indicates that this missense variant is expected to disrupt IDS protein function with a positive predictive value of 95%. Experimental studies have shown that this missense change affects IDS function (PMID: 16699754). This variant disrupts the p.Ala82 amino acid residue in IDS. Other variant(s) that disrupt this residue have been observed in individuals with IDS-related conditions (PMID: 9950361), which suggests that this may be a clinically significant amino acid residue. In summary, the currently available evidence indicates that the variant is pathogenic, but additional data are needed to prove that conclusively. Therefore, this variant has been classified as Likely Pathogenic.

Laboratory of Diagnosis and Therapy of Lysosomal Disorders, University of Padova
Classification: Pathogenic for Mucopolysaccharidosis, MPS-II. Last evaluated: 2024-06-07. Review status: criteria provided, single submitter. Criteria: ACMG Guidelines, 2015. Collection method: literature only. Allele origin: germline. Affected: yes. Observed: 2 variant alleles.
Comment: In vitro or in vivo functional studies supportive of a damaging effect (PS3_Strong), Absent from controls (or at low frequency) in gnomAD database (PM2_Moderate), Missense variant in a gene with a low rate of benign missense variation (PP2_Supporting), Multiple lines of computational evidence support a deleterious effect (PP3_Supporting), Patient’s phenotype or family history highly specific for the disease (PP4_Strong)

Classification method: ACMG Guidelines [PMID:25741868] with modifications

Literature cited by the submitters: PubMed 16699754 (cited by Labcorp Genetics (formerly Invitae), Labcorp and Laboratory of Diagnosis and Therapy of Lysosomal Disorders, University of Padova); PubMed 36945845 (cited by Labcorp Genetics (formerly Invitae), Labcorp and Laboratory of Diagnosis and Therapy of Lysosomal Disorders, University of Padova); PubMed 9950361 (cited by Labcorp Genetics (formerly Invitae), Labcorp).